The following is an entry in ClinVar:

NM_001099922.3(ALG13):c.3308C>T (p.Thr1103Ile)

Gene: ALG13 (ALG13 UDP-N-acetylglucosaminyltransferase subunit; plus strand). Cytogenetic location: Xq23.
Variant type: single nucleotide variant.
Coding change: c.3308C>T on transcript NM_001099922.3 (MANE Select); coding-DNA position 3308, C replaced by T.
Protein change: p.Thr1103Ile; replaces threonine 1103 with isoleucine.
Molecular consequence: missense variant. On other transcripts: non-coding transcript variant (1).
Genome position (GRCh38, 1-based): chrX:111,759,893, C>T. VCF-style: chrX-111759893-C-T. GRCh37 (hg19) VCF-style: chrX-111003121-C-T.
Other names: c.3071C>T, p.Thr1024Ile (NM_001324292.2); c.2585C>T, p.Thr862Ile (NM_001324293.1); c.2759C>T, p.Thr920Ile (NM_001257230.2, NM_001257234.2, NM_001257237.2); c.3074C>T, p.Thr1025Ile (NM_001257231.2); short protein forms T920I, T1024I, T862I, T1025I, T1103I.
Identifiers: ClinVar variation 3680585 (VCV003680585.2).

ClinVar aggregate classification (germline): Uncertain significance (1 of 4 stars; one submission).

Conditions:
Developmental and epileptic encephalopathy, 36 (DEE36). Also called: Epileptic encephalopathy, early infantile, 36; Congenital disorder of glycosylation, type Is; ALG13-CDG. Identifiers: Orphanet 324422, MedGen C4317295, MONDO:0010472, OMIM 300884.

Submission:

Labcorp Genetics (formerly Invitae), Labcorp
Classification: Uncertain significance for Developmental and epileptic encephalopathy, 36. Last evaluated: 2024-10-12. Review status: criteria provided, single submitter. Criteria: Invitae Variant Classification Sherloc (09022015). Collection method: clinical testing. Allele origin: germline.
Comment: This sequence change replaces threonine, which is neutral and polar, with isoleucine, which is neutral and non-polar, at codon 1103 of the ALG13 protein (p.Thr1103Ile). This variant is not present in population databases (gnomAD no frequency). This variant has not been reported in the literature in individuals affected with ALG13-related conditions. Invitae Evidence Modeling of protein sequence and biophysical properties (such as structural, functional, and spatial information, amino acid conservation, physicochemical variation, residue mobility, and thermodynamic stability) indicates that this missense variant is not expected to disrupt ALG13 protein function with a negative predictive value of 95%. In summary, the available evidence is currently insufficient to determine the role of this variant in disease. Therefore, it has been classified as a Variant of Uncertain Significance.